The following is an entry in ClinVar:

ClinVar aggregate classification (germline): Uncertain significance. Review status: criteria provided, multiple submitters, no conflicts (2 of 4 stars). 3 submissions from 3 submitters: Uncertain significance (3). Last evaluated 2025-07-29.

Allele frequency attached by ClinVar (database versions not stated): gnomAD exomes below 0.00001.
gnomAD v4.1: 1 of 1,613,936 alleles (0.000062%); highest among the groups gnomAD compares: Non-Finnish European, 0.000085%; no homozygotes.

Submissions (3):

Labcorp Genetics (formerly Invitae), Labcorp
Classification: Uncertain significance. Last evaluated: 2025-07-29. Review status: criteria provided, single submitter. Criteria: Invitae Variant Classification Sherloc (09022015). Collection method: clinical testing. Allele origin: germline.
Comment: This sequence change replaces arginine, which is basic and polar, with cysteine, which is neutral and slightly polar, at codon 714 of the ACTN1 protein (p.Arg714Cys). This variant is not present in population databases (gnomAD no frequency). This variant has not been reported in the literature in individuals affected with ACTN1-related conditions. ClinVar contains an entry for this variant (Variation ID: 1337149). Invitae Evidence Modeling of protein sequence and biophysical properties (such as structural, functional, and spatial information, amino acid conservation, physicochemical variation, residue mobility, and thermodynamic stability) indicates that this missense variant is expected to disrupt ACTN1 protein function with a positive predictive value of 80%. In summary, the available evidence is currently insufficient to determine the role of this variant in disease. Therefore, it has been classified as a Variant of Uncertain Significance.

Blueprint Genetics
Classification: Uncertain significance. Last evaluated: 2023-05-15. Review status: criteria provided, single submitter. Criteria: ACMG Guidelines, 2015. Collection method: clinical testing. Allele origin: germline.

Genetic Services Laboratory, University of Chicago
Classification: Uncertain significance. Last evaluated: 2019-05-01. Review status: criteria provided, single submitter. Criteria: ACMG Guidelines, 2015. Collection method: clinical testing. Allele origin: germline. Affected: no.

NM_001130004.2(ACTN1):c.2140C>T (p.Arg714Cys)

Gene: ACTN1 (actinin alpha 1; minus strand). Cytogenetic location: 14q24.1.
Variant type: single nucleotide variant.
Coding change: c.2140C>T on transcript NM_001130004.2 (MANE Select); coding-DNA position 2140, C replaced by T.
Protein change: p.Arg714Cys; replaces arginine 714 with cysteine.
Molecular consequence: missense variant.
Genome position (GRCh38, 1-based): chr14:68,880,102, G>A on the plus strand (C>T on the coding strand, the complement: ACTN1 is on the minus strand). VCF-style: chr14-68880102-G-A. GRCh37 (hg19) VCF-style: chr14-69346819-G-A.
Other names: c.2140C>T, p.Arg714Cys (NM_001102.4, NM_001130005.2); short protein forms R714C.
Identifiers: ClinVar variation 1337149 (VCV001337149.6), dbSNP rs913554480, ClinGen allele CA262845665.